The following is an entry in ClinVar:

NM_197968.4(ZMYM2):c.3268G>C (p.Glu1090Gln)

Gene: ZMYM2 (zinc finger MYM-type containing 2; plus strand). Cytogenetic location: 13q12.11.
Variant type: single nucleotide variant.
Coding change: c.3268G>C on transcript NM_197968.4 (MANE Select); coding-DNA position 3268, G replaced by C.
Protein change: p.Glu1090Gln; replaces glutamic acid 1090 with glutamine.
Molecular consequence: missense variant. On other transcripts: non-coding transcript variant (1).
Genome position (GRCh38, 1-based): chr13:20,066,986, G>C. VCF-style: chr13-20066986-G-C. GRCh37 (hg19) VCF-style: chr13-20641126-G-C.
Other names: c.3268G>C, p.Glu1090Gln (NM_001190964.4, NM_001190965.4, NM_001353157.2 and 5 more transcripts); c.3073G>C, p.Glu1025Gln (NM_001353161.3); c.3007G>C, p.Glu1003Gln (NM_001353163.2); short protein forms E1003Q, E1025Q, E1090Q.
Identifiers: ClinVar variation 4756044 (VCV004756044.1).

ClinVar aggregate classification (germline): Uncertain significance (1 of 4 stars; one submission).

Submission:

GeneDx
Classification: Uncertain significance. Last evaluated: 2025-08-06. Review status: criteria provided, single submitter. Criteria: GeneDx Variant Classification Process June 2021. Collection method: clinical testing. Allele origin: germline. Affected: yes.
Comment: Not observed at significant frequency in large population cohorts (gnomAD); In silico analysis supports that this missense variant has a deleterious effect on protein structure/function; Has not been previously published as pathogenic or benign to our knowledge